The following is an entry in ClinVar:

NM_003900.5(SQSTM1):c.983C>T (p.Ser328Leu)

Gene: SQSTM1 (sequestosome 1; plus strand). Cytogenetic location: 5q35.3.
Variant type: single nucleotide variant.
Coding change: c.983C>T on transcript NM_003900.5 (MANE Select); coding-DNA position 983, C replaced by T.
Protein change: p.Ser328Leu; replaces serine 328 with leucine.
Molecular consequence: missense variant.
Genome position (GRCh38, 1-based): chr5:179,833,600, C>T. VCF-style: chr5-179833600-C-T. GRCh37 (hg19) VCF-style: chr5-179260600-C-T.
Other names: c.731C>T, p.Ser244Leu (NM_001142298.2, NM_001142299.2); short protein forms S244L, S328L.
Identifiers: ClinVar variation 2946248 (VCV002946248.3), dbSNP rs763767102, ClinGen allele CA3600773.

ClinVar aggregate classification (germline): Uncertain significance (1 of 4 stars; one submission).

Conditions:
Frontotemporal dementia and/or amyotrophic lateral sclerosis 1 (FTDALS1). Also called: Frontotemporal dementia with motor neuron disease 1; C9orf72 Frontotemporal Dementia and/or Amyotrophic Lateral Sclerosis. Identifiers: Orphanet 275872, MedGen C5779877, MONDO:0007105, OMIM 105550.
Paget disease of bone 2, early-onset (PDB2). Also called: Paget disease of bone 2. Identifiers: MedGen C4085251, MONDO:0011183, OMIM 602080.

Allele frequency attached by ClinVar (database versions not stated): ExAC 0.00001; TOPMed 0.00002.
gnomAD v4.1: 6 of 1,614,108 alleles (0.00037%); highest among the groups gnomAD compares: South Asian, 0.0011%; no homozygotes.

Submission:

Labcorp Genetics (formerly Invitae), Labcorp
Classification: Uncertain significance for Paget disease of bone 2, early-onset; Frontotemporal dementia and/or amyotrophic lateral sclerosis 1. Last evaluated: 2025-03-25. Review status: criteria provided, single submitter. Criteria: Invitae Variant Classification Sherloc (09022015). Collection method: clinical testing. Allele origin: germline.
Comment: This sequence change replaces serine, which is neutral and polar, with leucine, which is neutral and non-polar, at codon 328 of the SQSTM1 protein (p.Ser328Leu). This variant is present in population databases (rs763767102, gnomAD no frequency). This variant has not been reported in the literature in individuals affected with SQSTM1-related conditions. ClinVar contains an entry for this variant (Variation ID: 2946248). Invitae Evidence Modeling of protein sequence and biophysical properties (such as structural, functional, and spatial information, amino acid conservation, physicochemical variation, residue mobility, and thermodynamic stability) indicates that this missense variant is not expected to disrupt SQSTM1 protein function with a negative predictive value of 80%. In summary, the available evidence is currently insufficient to determine the role of this variant in disease. Therefore, it has been classified as a Variant of Uncertain Significance.